The following is an entry in ClinVar:

ClinVar aggregate classification (germline): Conflicting classifications of pathogenicity. Review status: criteria provided, conflicting classifications (1 of 4 stars). 11 submissions from 11 submitters: Uncertain significance (7); Likely benign (4). Last evaluated 2026-03-07.

Conditions:
TTN-related disorder. Also called: TTN-related condition; TTN-related disease; TTN-related disorders.
Cardiovascular phenotype. Identifiers: MedGen CN230736.
Autosomal recessive limb-girdle muscular dystrophy type 2J (LGMDR10). Also called: Limb-girdle muscular dystrophy, type 2J; MUSCULAR DYSTROPHY, LIMB-GIRDLE, AUTOSOMAL RECESSIVE 10. Identifiers: Orphanet 140922, MedGen C1837342, MONDO:0012127, OMIM 608807.
Dilated cardiomyopathy 1G (CMD1G). Identifiers: Orphanet 154, MedGen C1858763, MONDO:0011400, OMIM 604145.

Allele frequency attached by ClinVar (database versions not stated): ExAC 0.00002; gnomAD 0.00006 and 0.00007; TOPMed 0.00008; ESP Exome Variant Server 0.00015.
gnomAD v4.1: 312 of 1,613,860 alleles (0.019%); highest among the groups gnomAD compares: Non-Finnish European, 0.025%; no homozygotes.

Submissions (11):

Clinical Genomics Laboratory, Washington University in St. Louis
Classification: Uncertain significance for Dilated cardiomyopathy 1G. Last evaluated: 2026-03-07. Review status: criteria provided, single submitter. Criteria: ACMG Guidelines, 2015. Collection method: clinical testing. Allele origin: germline.
Comment: A TTN c.4081A>C (p.Ile1361Leu) variant was identified in a heterozygous state. This missense variant is located in the Ig-like 5 domain near the Z-disk in the N2BA principle cardiac long isoform. This variant has been identified in a pediatric patient with cardiomyopathy (Burstein DS et al., PMID: 32746448). It is observed on 18/282,102 alleles in the general population (gnomAD v2.1.0). Computational predictors suggest that the variant does not impact TTN function. Due to limited information, and based on ACMG/AMP guidelines for variant interpretation (Richards S et al., PMID: 25741868), the clinical significance of this variant is uncertain at this time.

PreventionGenetics, part of Exact Sciences
Classification: Likely benign for TTN-related condition. Last evaluated: 2025-08-28. Review status: criteria provided, single submitter. Criteria: ACMG Guidelines, 2015. Collection method: clinical testing. Allele origin: germline.
Comment: This variant is classified as likely benign based on ACMG/AMP sequence variant interpretation guidelines (Richards et al. 2015 PMID: 25741868, with internal and published modifications).

CeGaT Center for Human Genetics Tuebingen
Classification: Uncertain significance. Last evaluated: 2025-08-01. Review status: criteria provided, single submitter. Criteria: CeGaT Center For Human Genetics Tuebingen Variant Classification Criteria Version 2. Collection method: clinical testing. Allele origin: germline. Affected: yes. Observed: 1 variant allele.

Mayo Clinic Laboratories, Mayo Clinic
Classification: Uncertain significance. Last evaluated: 2025-06-25. Review status: criteria provided, single submitter. Criteria: ACMG Guidelines, 2015. Collection method: clinical testing. Allele origin: germline. Observed: 2 variant alleles.
Comment: BP4

Women's Health and Genetics/Laboratory Corporation of America, LabCorp
Classification: Uncertain significance. Last evaluated: 2024-02-12. Review status: criteria provided, single submitter. Criteria: LabCorp Variant Classification Summary - May 2015. Collection method: clinical testing. Allele origin: germline.
Comment: Variant summary: TTN c.4081A>C (p.Ile1361Leu) results in a conservative amino acid change located in the near Z-disk region of the encoded protein sequence. Four of five in-silico tools predict a benign effect of the variant on protein function. The variant allele was found at a frequency of 0.00019 in 1613860 control chromosomes, predominantly at a frequency of 0.00025 within the Non-Finnish European subpopulation in the gnomAD database. This frequency is not significantly higher than estimated for a pathogenic variant in TTN causing Dilated Cardiomyopathy (0.00025 vs 0.00039), allowing no conclusion about variant significance. c.4081A>C has been reported in the literature as a VUS in a setting of multigene panel testing in an individual affected with Dilated Cardiomyopathy (Burstein_2021). This report does not provide unequivocal conclusions about association of the variant with Dilated Cardiomyopathy. To our knowledge, no experimental evidence demonstrating an impact on protein function has been reported. ClinVar contains an entry for this variant (Variation ID: 229444). Based on the evidence outlined above, the variant was classified as uncertain significance.

Revvity Omics, Revvity
Classification: Uncertain significance. Last evaluated: 2022-03-21. Review status: criteria provided, single submitter. Criteria: ACMG Guidelines, 2015. Collection method: clinical testing. Allele origin: germline.

Blueprint Genetics
Classification: Likely benign. Last evaluated: 2021-12-02. Review status: criteria provided, single submitter. Criteria: ACMG Guidelines, 2015. Collection method: clinical testing. Allele origin: germline.

GeneDx
Classification: Likely benign. Last evaluated: 2020-10-07. Review status: criteria provided, single submitter. Criteria: GeneDx Variant Classification Process June 2021. Collection method: clinical testing. Allele origin: germline. Affected: yes.

Ambry Genetics
Classification: Likely benign for Cardiovascular phenotype. Last evaluated: 2020-05-28. Review status: criteria provided, single submitter. Criteria: Ambry Variant Classification Scheme 2023. Collection method: clinical testing. Allele origin: germline.

Labcorp Genetics (formerly Invitae), Labcorp
Classification: Uncertain significance for Dilated cardiomyopathy 1G; Autosomal recessive limb-girdle muscular dystrophy type 2J. Last evaluated: 2017-12-27. Review status: criteria provided, single submitter. Criteria: Invitae Variant Classification Sherloc (09022015). Collection method: clinical testing. Allele origin: germline.

Laboratory for Molecular Medicine, Mass General Brigham Personalized Medicine
Classification: Uncertain significance. Last evaluated: 2015-03-20. Review status: criteria provided, single submitter. Criteria: LMM Criteria. Collection method: clinical testing. Allele origin: germline. Observed: 2 variant alleles.
Comment: Computational prediction tools and conservation analysis do not provide strong support for or against an impact to the protein. In summa ry, the clinical significance of the p.Ile1361Leu variant is uncertain.

Literature cited by the submitters: PubMed 32746448 (cited by Mayo Clinic Laboratories, Mayo Clinic and Women's Health and Genetics/Laboratory Corporation of America, LabCorp).

NM_001267550.2(TTN):c.4081A>C (p.Ile1361Leu)

Genes: TTN (titin; minus strand), LOC101927055 (uncharacterized LOC101927055; plus strand). Cytogenetic location: 2q31.2.
Variant type: single nucleotide variant.
Coding change: c.4081A>C on transcript NM_001267550.2 (MANE Select); coding-DNA position 4081, A replaced by C.
Protein change: p.Ile1361Leu; replaces isoleucine 1361 with leucine.
Molecular consequence: missense variant.
Genome position (GRCh38, 1-based): chr2:178,779,001, T>G on the plus strand (A>C on the coding strand, the complement: TTN is on the minus strand). VCF-style: chr2-178779001-T-G. GRCh37 (hg19) VCF-style: chr2-179643728-T-G.
Other names: c.4081A>C, p.Ile1361Leu (NM_133379.5, NM_001256850.1, NM_133378.4); c.3943A>C, p.Ile1315Leu (NM_133432.3, NM_133437.4, NM_003319.4); short protein forms I1361L, I1315L.
Identifiers: ClinVar variation 229444 (VCV000229444.28), dbSNP rs145308734, ClinGen allele CA2005411.
Genomic context (GRCh38, chr2:178,779,001, plus strand): 5'-CATACAATTTCCCTGAGCAAATTGCATTTCCTTTAATATTGCTGGCAAATGCAGTGTAGA[T>G]TCCTTCATCTTCTGGAAGAACAACAGGTATACGCAGACTAGCTCTGCCATCTTGTAGAAA-3'
Protein context (NP_001254479.2, residues 1351-1371): IPVVLPEDEG[Ile1361Leu]YTAFASNIKG